The following is an entry in ClinVar:

ClinVar aggregate classification (germline): Uncertain significance. Review status: criteria provided, multiple submitters, no conflicts (2 of 4 stars). 2 submissions from 2 submitters: Uncertain significance (2). Last evaluated 2024-09-10.

Conditions:
Ataxia-telangiectasia-like disorder (ATLD). Identifiers: MedGen C1858391, MONDO:0011457.
Hereditary cancer-predisposing syndrome. Also called: Hereditary neoplastic syndrome; Neoplastic Syndromes, Hereditary; Tumor predisposition; Hereditary Cancer Syndrome. Identifiers: Orphanet 140162, MedGen C0027672, MeSH D009386, MONDO:0015356.

Allele frequency attached by ClinVar (database versions not stated): gnomAD exomes below 0.00001.
gnomAD v4.1: 1 of 1,614,034 alleles (0.000062%); highest among the groups gnomAD compares: Middle Eastern, 0.017%; no homozygotes.

Submissions (2):

Ambry Genetics
Classification: Uncertain significance for Hereditary cancer-predisposing syndrome. Last evaluated: 2024-09-10. Review status: criteria provided, single submitter. Criteria: Ambry Variant Classification Scheme 2023. Collection method: clinical testing. Allele origin: germline.
Comment: The p.G579R variant (also known as c.1735G>A), located in coding exon 14 of the MRE11A gene, results from a G to A substitution at nucleotide position 1735. The glycine at codon 579 is replaced by arginine, an amino acid with dissimilar properties. This amino acid position is not well conserved in available vertebrate species. In addition, the in silico prediction for this alteration is inconclusive. Based on the available evidence, the clinical significance of this variant remains unclear.

Labcorp Genetics (formerly Invitae), Labcorp
Classification: Uncertain significance for Ataxia-telangiectasia-like disorder. Last evaluated: 2023-10-10. Review status: criteria provided, single submitter. Criteria: Invitae Variant Classification Sherloc (09022015). Collection method: clinical testing. Allele origin: germline.
Comment: This sequence change replaces glycine, which is neutral and non-polar, with arginine, which is basic and polar, at codon 579 of the MRE11 protein (p.Gly579Arg). This variant is present in population databases (no rsID available, gnomAD no frequency). This variant has not been reported in the literature in individuals affected with MRE11-related conditions. ClinVar contains an entry for this variant (Variation ID: 1681567). An algorithm developed to predict the effect of missense changes on protein structure and function (PolyPhen-2) suggests that this variant is likely to be tolerated. In summary, the available evidence is currently insufficient to determine the role of this variant in disease. Therefore, it has been classified as a Variant of Uncertain Significance.

NM_005591.4(MRE11):c.1735G>A (p.Gly579Arg)

Gene: MRE11 (MRE11 double strand break repair nuclease; minus strand). Cytogenetic location: 11q21.
Variant type: single nucleotide variant.
Coding change: c.1735G>A on transcript NM_005591.4 (MANE Select); coding-DNA position 1735, G replaced by A.
Protein change: p.Gly579Arg; replaces glycine 579 with arginine.
Molecular consequence: missense variant.
Genome position (GRCh38, 1-based): chr11:94,447,267, C>T on the plus strand (G>A on the coding strand, the complement: MRE11 is on the minus strand). VCF-style: chr11-94447267-C-T. GRCh37 (hg19) VCF-style: chr11-94180433-C-T.
Other names: c.1735G>A, p.Gly579Arg (NM_001330347.2, NM_005590.4); short protein forms G579R.
Identifiers: ClinVar variation 1681567 (VCV001681567.9), dbSNP rs1403124887, ClinGen allele CA382368196.
Genomic context (GRCh38, chr11:94,447,267, plus strand): 5'-CTCAGTGCTCACCTCTTCCTCTTTGAGACCCTCCTCTCGATGCTGAATTCTGCCCTCTTC[C>T]ACCTCTTCGACCTCTTCCTCGGCCTCTTCCTTTGTTGGTTGCTGCTGAGATGCTATCATC-3'
Protein context (NP_005582.1, residues 569-589): GRGRGRGRRG[Gly579Arg]RGQNSASRGG